The following is an entry in ClinVar:

NM_006348.5(COG5):c.1750-3del

Gene: COG5 (component of oligomeric golgi complex 5; minus strand). Cytogenetic location: 7q22.3.
Variant type: Deletion.
Coding change: c.1750-3del on transcript NM_006348.5 (MANE Select); 3 bases into the intron before coding-DNA position 1750, one base deleted (T; older notation c.1750-3delT).
Molecular consequence: intron variant.
Genome position (GRCh38, 1-based): chr7:107,248,502, A deleted on the plus strand (T on the coding strand, the reverse complement: COG5 is on the minus strand); the first of 12 consecutive A bases (chr7:107,248,502-107,248,513); deleting any one gives the same sequence. VCF-style (leftmost placement, unchanged base first): chr7-107248501-TA-T. GRCh37 (hg19) VCF-style: chr7-106888946-TA-T.
Other names: p.?; c.1843-3del (NM_006348.3); c.1036-3del (NM_001379516.1); c.1180-3del (NM_001379515.1); c.1588-3del (NM_001379511.1); c.1576-3del (NM_001379512.1); c.1687-3del (NM_181733.4); c.1750-3del (NM_001379514.1, NM_001379513.1, NM_001161520.2).
Identifiers: ClinVar variation 2920034 (VCV002920034.5), dbSNP rs746706902, ClinGen allele CA4430790.
Genomic context (GRCh38, chr7:107,248,501, plus strand): 5'-GCATCTCCCACAGAAGTGAGTAAGGGTTGCACAGCATTTTCCATAAGAGCATGAATAGCC[TA>T]AAAAAAAAAAAGAAAGAAAAAAAAGAAGAGGCAAGATTAAAGAAAAACAACCCAAAGAAA-3'

ClinVar aggregate classification (germline): Benign/Likely benign. Review status: criteria provided, multiple submitters, no conflicts (2 of 4 stars). 3 submissions from 3 submitters: Benign (1); Likely benign (2). Last evaluated 2025-05-29.

Conditions:
COG5-congenital disorder of glycosylation. Also called: CONGENITAL DISORDER OF GLYCOSYLATION, TYPE IIi; COG5-CDG; CDG IIi. Identifiers: Orphanet 263487, MedGen C3150876, MONDO:0013325, OMIM 613612.

Submissions (3):

Labcorp Genetics (formerly Invitae), Labcorp
Classification: Benign for COG5-congenital disorder of glycosylation. Last evaluated: 2025-05-29. Review status: criteria provided, single submitter. Criteria: Invitae Variant Classification Sherloc (09022015). Collection method: clinical testing. Allele origin: germline.

Blueprint Genetics
Classification: Likely benign. Last evaluated: 2024-11-27. Review status: criteria provided, single submitter. Criteria: ACMG Guidelines, 2015. Collection method: clinical testing. Allele origin: germline.

Mayo Clinic Laboratories, Mayo Clinic
Classification: Likely benign. Last evaluated: 2024-11-04. Review status: criteria provided, single submitter. Criteria: ACMG Guidelines, 2015. Collection method: clinical testing. Allele origin: germline. Observed: 5 variant alleles.
Comment: BS1, BP4, BP7